The following is an entry in ClinVar:

NM_001003841.3(SLC6A19):c.1187C>T (p.Thr396Ile)

Gene: SLC6A19 (solute carrier family 6 member 19; plus strand). Cytogenetic location: 5p15.33.
Variant type: single nucleotide variant.
Coding change: c.1187C>T on transcript NM_001003841.3 (MANE Select); coding-DNA position 1187, C replaced by T.
Protein change: p.Thr396Ile; replaces threonine 396 with isoleucine.
Molecular consequence: missense variant.
Genome position (GRCh38, 1-based): chr5:1,218,916, C>T. VCF-style: chr5-1218916-C-T. GRCh37 (hg19) VCF-style: chr5-1219031-C-T.
Other names: short protein forms T396I.
Identifiers: ClinVar variation 1965543 (VCV001965543.5), dbSNP rs760886608, ClinGen allele CA3183095.

ClinVar aggregate classification (germline): Uncertain significance (1 of 4 stars; one submission).

Submission:

Labcorp Genetics (formerly Invitae), Labcorp
Classification: Uncertain significance. Last evaluated: 2022-09-02. Review status: criteria provided, single submitter. Criteria: Invitae Variant Classification Sherloc (09022015). Collection method: clinical testing. Allele origin: germline.
Comment: This variant has not been reported in the literature in individuals affected with SLC6A19-related conditions. In summary, the available evidence is currently insufficient to determine the role of this variant in disease. Therefore, it has been classified as a Variant of Uncertain Significance. Algorithms developed to predict the effect of missense changes on protein structure and function (SIFT, PolyPhen-2, Align-GVGD) all suggest that this variant is likely to be disruptive. The frequency data for this variant in the population databases is considered unreliable, as metrics indicate poor data quality at this position in the gnomAD database. This sequence change replaces threonine, which is neutral and polar, with isoleucine, which is neutral and non-polar, at codon 396 of the SLC6A19 protein (p.Thr396Ile).